The following is an entry in ClinVar:

NM_005995.5(TBX10):c.549+9G>A

Gene: TBX10 (T-box transcription factor 10; minus strand). Cytogenetic location: 11q13.2.
Variant type: single nucleotide variant.
Coding change: c.549+9G>A on transcript NM_005995.5 (MANE Select); 9 bases into the intron after coding-DNA position 549, G replaced by A.
Molecular consequence: intron variant.
Genome position (GRCh38, 1-based): chr11:67,634,180, C>T on the plus strand (G>A on the coding strand, the complement: TBX10 is on the minus strand). VCF-style: chr11-67634180-C-T. GRCh37 (hg19) VCF-style: chr11-67401651-C-T.
Identifiers: ClinVar variation 3357990 (VCV003357990.1).

ClinVar aggregate classification (germline): Likely benign (0 of 4 stars; one submission).

Conditions:
TBX10-related disorder. Also called: TBX10-related condition.

Submission:

PreventionGenetics, part of Exact Sciences
Classification: Likely benign for TBX10-related condition. Last evaluated: 2019-08-06. Review status: no assertion criteria provided. Collection method: clinical testing. Allele origin: germline.
Comment: This variant is classified as likely benign based on ACMG/AMP sequence variant interpretation guidelines (Richards et al. 2015 PMID: 25741868, with internal and published modifications).